The following is an entry in ClinVar:

ClinVar aggregate classification (germline): Uncertain significance (1 of 4 stars; one submission).

Allele frequency attached by ClinVar (database versions not stated): TOPMed below 0.00001.

Submission:

Labcorp Genetics (formerly Invitae), Labcorp
Classification: Uncertain significance. Last evaluated: 2025-06-29. Review status: criteria provided, single submitter. Criteria: Invitae Variant Classification Sherloc (09022015). Collection method: clinical testing. Allele origin: germline.
Comment: This sequence change replaces arginine, which is basic and polar, with serine, which is neutral and polar, at codon 163 of the ALPK3 protein (p.Arg163Ser). This variant is not present in population databases (gnomAD no frequency). This variant has not been reported in the literature in individuals affected with ALPK3-related conditions. ClinVar contains an entry for this variant (Variation ID: 2417836). An algorithm developed to predict the effect of missense changes on protein structure and function (PolyPhen-2) suggests that this variant is likely to be tolerated. In summary, the available evidence is currently insufficient to determine the role of this variant in disease. Therefore, it has been classified as a Variant of Uncertain Significance.

NC_000015.10:g.84817335G>C

Gene: ALPK3 (alpha kinase 3; plus strand). Cytogenetic location: 15q25.3.
Variant type: single nucleotide variant.
Genome position: GRCh38 VCF-style: chr15-84817335-G-C. GRCh37 (hg19) VCF-style: chr15-85360566-G-C.
Identifiers: ClinVar variation 2417836 (VCV002417836.43), dbSNP rs1300351707, ClinGen allele CA393369017.